The following is an entry in ClinVar:

ClinVar aggregate classification (germline): Pathogenic. Review status: criteria provided, multiple submitters, no conflicts (2 of 4 stars). 4 submissions from 4 submitters: Pathogenic (4). Last evaluated 2025-02-19.

Conditions:
Familial hypocalciuric hypercalcemia (FHH). Also called: Familial benign hypercalcemia. Identifiers: Orphanet 405, MedGen C1809471, MONDO:0018458.
Autosomal dominant hypocalcemia 1 (HYPOC1). Also called: HYPOCALCEMIA, FAMILIAL. Identifiers: MedGen C3715128, MONDO:0011013, OMIM 601198.
Nephrolithiasis/nephrocalcinosis. Identifiers: MedGen CN580796.
Epilepsy, idiopathic generalized, susceptibility to, 8. Identifiers: MedGen C2752062, MONDO:0013032, OMIM 612899.
Familial hypocalciuric hypercalcemia 1. Also called: Hypercalcemia, familial benign type 1. Identifiers: Orphanet 405, Orphanet 93372, MedGen C0342637, MONDO:0007791, OMIM 145980.
Neonatal severe primary hyperparathyroidism. Identifiers: Orphanet 417, MedGen C1832615, MONDO:0009397, OMIM 239200.

Allele frequency attached by ClinVar (database versions not stated): gnomAD 0.00001.
gnomAD v4.1: 1 of 1,614,044 alleles (0.000062%); highest among the groups gnomAD compares: African/African-American, 0.0013%; no homozygotes.

Submissions (4):

Labcorp Genetics (formerly Invitae), Labcorp
Classification: Pathogenic for Familial hypocalciuric hypercalcemia; Autosomal dominant hypocalcemia 1. Last evaluated: 2025-02-19. Review status: criteria provided, single submitter. Criteria: Invitae Variant Classification Sherloc (09022015). Collection method: clinical testing. Allele origin: germline.
Comment: This sequence change creates a premature translational stop signal (p.Glu56*) in the CASR gene. It is expected to result in an absent or disrupted protein product. Loss-of-function variants in CASR are known to be pathogenic (PMID: 11807402, 14985373, 22422767). This variant is present in population databases (no rsID available, gnomAD 0.01%). This variant has not been reported in the literature in individuals affected with CASR-related conditions. ClinVar contains an entry for this variant (Variation ID: 838073). Algorithms developed to predict the effect of sequence changes on RNA splicing suggest that this variant may disrupt the consensus splice site. For these reasons, this variant has been classified as Pathogenic.

Ambry Genetics
Classification: Pathogenic for Nephrolithiasis/nephrocalcinosis. Last evaluated: 2023-05-16. Review status: criteria provided, single submitter. Criteria: Ambry Variant Classification Scheme 2023. Collection method: clinical testing. Allele origin: germline.
Comment: The p.E56* pathogenic mutation (also known as c.166G>T), located in coding exon 1 of the CASR gene, results from a G to T substitution at nucleotide position 166. This changes the amino acid from a glutamic acid to a stop codon within coding exon 1. This alteration has been observed in at least one individual with a personal and/or family history that is consistent with CASR-related disease (Ambry internal data). This alteration is expected to result in loss of function by premature protein truncation or nonsense-mediated mRNA decay. As such, this alteration is interpreted as a disease-causing mutation.

Athena Diagnostics
Classification: Pathogenic. Last evaluated: 2021-07-01. Review status: criteria provided, single submitter. Criteria: Athena Diagnostics Criteria. Collection method: clinical testing. Allele origin: unknown.
Comment: This variant is expected to result in the loss of a functional protein. The frequency of this variant in the general population is consistent with pathogenicity. This variant has been identified in at least one individual tested at Athena Diagnostics with clinical features associated with this gene.

Fulgent Genetics
Classification: Pathogenic for Familial hypocalciuric hypercalcemia 1; Neonatal severe primary hyperparathyroidism; Autosomal dominant hypocalcemia 1; Epilepsy, idiopathic generalized, susceptibility to, 8. Last evaluated: 2021-06-30. Review status: criteria provided, single submitter. Criteria: ACMG Guidelines, 2015. Collection method: clinical testing. Allele origin: unknown.
Comment: This variant has been detected in individual(s) who were sent for testing of Renasight - kidney gene panel.

Literature cited by the submitters: PubMed 11807402 (cited by Labcorp Genetics (formerly Invitae), Labcorp); PubMed 14985373 (cited by Labcorp Genetics (formerly Invitae), Labcorp); PubMed 22422767 (cited by Labcorp Genetics (formerly Invitae), Labcorp).

NM_000388.4(CASR):c.166G>T (p.Glu56Ter)

Gene: CASR (calcium sensing receptor; plus strand). Cytogenetic location: 3q21.1.
Variant type: single nucleotide variant.
Coding change: c.166G>T on transcript NM_000388.4 (MANE Select); coding-DNA position 166, G replaced by T.
Protein change: p.Glu56Ter; replaces glutamic acid 56 with a stop codon.
Molecular consequence: nonsense.
Genome position (GRCh38, 1-based): chr3:122,254,355, G>T. VCF-style: chr3-122254355-G-T. GRCh37 (hg19) VCF-style: chr3-121973202-G-T.
Other names: c.166G>T, p.Glu56Ter (NM_001178065.2); short protein forms E56*.
Identifiers: ClinVar variation 838073 (VCV000838073.12), dbSNP rs1358793834, ClinGen allele CA354362273.